The following is an entry in ClinVar:

NM_016026.4(RDH11):c.200G>A (p.Arg67Gln)

Genes: GPHN (gephyrin; plus strand), RDH11 (retinol dehydrogenase 11; minus strand). Cytogenetic location: 14q24.1.
Variant type: single nucleotide variant.
Coding change: c.200G>A on transcript NM_016026.4 (MANE Select); coding-DNA position 200, G replaced by A.
Protein change: p.Arg67Gln; replaces arginine 67 with glutamine.
Molecular consequence: missense variant.
Genome position (GRCh38, 1-based): chr14:67,692,587, C>T on the plus strand (G>A on the coding strand, the complement: RDH11 is on the minus strand). VCF-style: chr14-67692587-C-T. GRCh37 (hg19) VCF-style: chr14-68159304-C-T.
Other names: c.200G>A, p.Arg67Gln (NM_001252650.2); c.200G>A (NM_016026.3); short protein forms R67Q.
Identifiers: ClinVar variation 1388485 (VCV001388485.4), dbSNP rs150964554, ClinGen allele CA7238463.
Genomic context (GRCh38, chr14:67,692,587, plus strand): 5'-GTCTGGATCTCTTTGGCCACCAATTCCCCCTTTTCCACATCCCGGCAAGCTAAATATACT[C>T]GAGCTCCTGTCAGCCAACATATGAAAGAGAAATGGTCAGCTCTGTTTTTGAGCTGGCATT-3'
Protein context (NP_057110.3, residues 57-77): TAKELAQRGA[Arg67Gln]VYLACRDVEK

ClinVar aggregate classification (germline): Uncertain significance. Review status: criteria provided, multiple submitters, no conflicts (2 of 4 stars). 2 submissions from 2 submitters: Uncertain significance (2). Last evaluated 2025-11-08.

Allele frequency attached by ClinVar (database versions not stated): ESP Exome Variant Server 0.00015; 1000 Genomes Project 0.00060; gnomAD exomes 0.00004; gnomAD 0.00009; ExAC 0.00004; TOPMed 0.00008; 1000 Genomes Project 30x 0.00047.
gnomAD v4.1: 29 of 1,572,250 alleles (0.0018%); highest among the groups gnomAD compares: African/African-American, 0.026%; no homozygotes.

Submissions (2):

Ambry Genetics
Classification: Uncertain significance. Last evaluated: 2025-11-08. Review status: criteria provided, single submitter. Criteria: Ambry Variant Classification Scheme 2023. Collection method: clinical testing. Allele origin: germline.

Labcorp Genetics (formerly Invitae), Labcorp
Classification: Uncertain significance. Last evaluated: 2022-08-15. Review status: criteria provided, single submitter. Criteria: Invitae Variant Classification Sherloc (09022015). Collection method: clinical testing. Allele origin: germline.
Comment: This sequence change replaces arginine, which is basic and polar, with glutamine, which is neutral and polar, at codon 67 of the RDH11 protein (p.Arg67Gln). This variant is present in population databases (rs150964554, gnomAD 0.04%). This variant has not been reported in the literature in individuals affected with RDH11-related conditions. ClinVar contains an entry for this variant (Variation ID: 1388485). Algorithms developed to predict the effect of missense changes on protein structure and function are either unavailable or do not agree on the potential impact of this missense change (SIFT: "Tolerated"; PolyPhen-2: "Probably Damaging"; Align-GVGD: "Class C0"). In summary, the available evidence is currently insufficient to determine the role of this variant in disease. Therefore, it has been classified as a Variant of Uncertain Significance.